The following is an entry in ClinVar:

NM_016292.3(TRAP1):c.1045-3C>G

Gene: TRAP1 (TNF receptor associated protein 1; minus strand). Cytogenetic location: 16p13.3.
Variant type: single nucleotide variant.
Coding change: c.1045-3C>G on transcript NM_016292.3 (MANE Select); 3 bases into the intron before coding-DNA position 1045, C replaced by G.
Molecular consequence: intron variant.
Genome position (GRCh38, 1-based): chr16:3,672,823, G>C on the plus strand (C>G on the coding strand, the complement: TRAP1 is on the minus strand). VCF-style: chr16-3672823-G-C. GRCh37 (hg19) VCF-style: chr16-3722824-G-C.
Other names: c.886-3C>G (NM_001272049.2).
Identifiers: ClinVar variation 2797717 (VCV002797717.1), dbSNP rs1407133197, ClinGen allele CA720722019.

ClinVar aggregate classification (germline): Uncertain significance (1 of 4 stars; one submission).

Allele frequency attached by ClinVar (database versions not stated): TOPMed below 0.00001.

Submission:

Labcorp Genetics (formerly Invitae), Labcorp
Classification: Uncertain significance. Last evaluated: 2024-01-13. Review status: criteria provided, single submitter. Criteria: Invitae Variant Classification Sherloc (09022015). Collection method: clinical testing. Allele origin: germline.
Comment: This sequence change falls in intron 9 of the TRAP1 gene. It does not directly change the encoded amino acid sequence of the TRAP1 protein. It affects a nucleotide within the consensus splice site. This variant is not present in population databases (gnomAD no frequency). This variant has not been reported in the literature in individuals affected with TRAP1-related conditions. Variants that disrupt the consensus splice site are a relatively common cause of aberrant splicing (PMID: 17576681, 9536098). Algorithms developed to predict the effect of sequence changes on RNA splicing suggest that this variant may disrupt the consensus splice site. In summary, the available evidence is currently insufficient to determine the role of this variant in disease. Therefore, it has been classified as a Variant of Uncertain Significance.

Literature cited by the submitters: PubMed 17576681; PubMed 9536098.